The following is an entry in ClinVar:

NM_001379270.1(CNGA1):c.1597G>T (p.Val533Leu)

Genes: CNGA1 (cyclic nucleotide gated channel subunit alpha 1; minus strand), LOC101927157 (uncharacterized LOC101927157; plus strand). Cytogenetic location: 4p12.
Variant type: single nucleotide variant.
Coding change: c.1597G>T on transcript NM_001379270.1 (MANE Select); coding-DNA position 1597, G replaced by T.
Protein change: p.Val533Leu; replaces valine 533 with leucine.
Molecular consequence: missense variant.
Genome position (GRCh38, 1-based): chr4:47,936,885, C>A on the plus strand (G>T on the coding strand, the complement: CNGA1 is on the minus strand). VCF-style: chr4-47936885-C-A. GRCh37 (hg19) VCF-style: chr4-47938902-C-A.
Other names: c.1597G>T, p.Val533Leu (NM_000087.5, NM_001142564.2); short protein forms V533L.
Identifiers: ClinVar variation 2198745 (VCV002198745.4), dbSNP rs552871598, ClinGen allele CA2911048.

ClinVar aggregate classification (germline): Uncertain significance. Review status: criteria provided, multiple submitters, no conflicts (2 of 4 stars). 3 submissions from 3 submitters: Uncertain significance (3). Last evaluated 2024-07-16.

Conditions:
Inborn genetic diseases. Identifiers: MedGen C0950123, MeSH D030342.

Allele frequency attached by ClinVar (database versions not stated): gnomAD 0.00003; gnomAD exomes 0.00005; ExAC 0.00009; 1000 Genomes Project 30x 0.00016; 1000 Genomes Project 0.00020.
gnomAD v4.1: 84 of 1,614,098 alleles (0.0052%); highest among the groups gnomAD compares: South Asian, 0.07%; no homozygotes.

Submissions (3):

Blueprint Genetics
Classification: Uncertain significance. Last evaluated: 2024-07-16. Review status: criteria provided, single submitter. Criteria: ACMG Guidelines, 2015. Collection method: clinical testing. Allele origin: germline.

Ambry Genetics
Classification: Uncertain significance for Inborn genetic diseases. Last evaluated: 2023-06-26. Review status: criteria provided, single submitter. Criteria: Ambry Variant Classification Scheme 2023. Collection method: clinical testing. Allele origin: germline.

Labcorp Genetics (formerly Invitae), Labcorp
Classification: Uncertain significance. Last evaluated: 2022-02-11. Review status: criteria provided, single submitter. Criteria: Invitae Variant Classification Sherloc (09022015). Collection method: clinical testing. Allele origin: germline.
Comment: This sequence change replaces valine, which is neutral and non-polar, with leucine, which is neutral and non-polar, at codon 537 of the CNGA1 protein (p.Val537Leu). This variant is present in population databases (rs552871598, gnomAD 0.06%). This variant has not been reported in the literature in individuals affected with CNGA1-related conditions. Algorithms developed to predict the effect of missense changes on protein structure and function are either unavailable or do not agree on the potential impact of this missense change (SIFT: "Tolerated"; PolyPhen-2: "Possibly Damaging"; Align-GVGD: "Class C0"). In summary, the available evidence is currently insufficient to determine the role of this variant in disease. Therefore, it has been classified as a Variant of Uncertain Significance.